The following is an entry in ClinVar:

ClinVar aggregate classification (germline): Uncertain significance (1 of 4 stars; one submission).

Submission:

Labcorp Genetics (formerly Invitae), Labcorp
Classification: Uncertain significance. Last evaluated: 2021-12-19. Review status: criteria provided, single submitter. Criteria: Invitae Variant Classification Sherloc (09022015). Collection method: clinical testing. Allele origin: germline.
Comment: In summary, the available evidence is currently insufficient to determine the role of this variant in disease. Therefore, it has been classified as a Variant of Uncertain Significance. Algorithms developed to predict the effect of missense changes on protein structure and function output the following: SIFT: "Tolerated"; PolyPhen-2: "Benign"; Align-GVGD: "Class C0". The serine amino acid residue is found in multiple mammalian species, which suggests that this missense change does not adversely affect protein function. This variant has not been reported in the literature in individuals affected with PUS3-related conditions. This variant is not present in population databases (gnomAD no frequency). This sequence change replaces asparagine, which is neutral and polar, with serine, which is neutral and polar, at codon 40 of the PUS3 protein (p.Asn40Ser).

NM_031307.4(PUS3):c.119A>G (p.Asn40Ser)

Genes: HYLS1 (HYLS1 centriolar and ciliogenesis associated; plus strand), PUS3 (pseudouridine synthase 3; minus strand). Cytogenetic location: 11q24.2.
Variant type: single nucleotide variant.
Coding change: c.119A>G on transcript NM_031307.4 (MANE Select); coding-DNA position 119, A replaced by G.
Protein change: p.Asn40Ser; replaces asparagine 40 with serine.
Molecular consequence: missense variant. On other transcripts: intron variant (6).
Genome position (GRCh38, 1-based): chr11:125,896,166, T>C on the plus strand (A>G on the coding strand, the complement: PUS3 is on the minus strand). VCF-style: chr11-125896166-T-C. GRCh37 (hg19) VCF-style: chr11-125766061-T-C.
Other names: c.-80-2938T>C (NM_145014.3); c.-25-3178T>C (NM_001134793.2, NM_001377269.1); c.-22-3181T>C (NM_001424364.1, NM_001377270.1); c.-246-377A>G (NM_001271985.2); short protein forms N40S.
Identifiers: ClinVar variation 2047704 (VCV002047704.4), dbSNP rs2497048384, ClinGen allele CA383200941.